The following is an entry in ClinVar:

NM_015103.3(PLXND1):c.2610G>A (p.Met870Ile)

Gene: PLXND1 (plexin D1; minus strand). Cytogenetic location: 3q22.1.
Variant type: single nucleotide variant.
Coding change: c.2610G>A on transcript NM_015103.3 (MANE Select); coding-DNA position 2610, G replaced by A.
Protein change: p.Met870Ile; replaces methionine 870 with isoleucine.
Molecular consequence: missense variant.
Genome position (GRCh38, 1-based): chr3:129,574,411, C>T on the plus strand (G>A on the coding strand, the complement: PLXND1 is on the minus strand). VCF-style: chr3-129574411-C-T. GRCh37 (hg19) VCF-style: chr3-129293254-C-T.
Other names: short protein forms M870I.
Identifiers: ClinVar variation 720178 (VCV000720178.8), dbSNP rs149847035, ClinGen allele CA2608961.

ClinVar aggregate classification (germline): Conflicting classifications of pathogenicity. Review status: criteria provided, conflicting classifications (1 of 4 stars). 4 submissions from 4 submitters: Uncertain significance (1); Likely benign (2). 1 of the submissions does not count toward it. Last evaluated 2025-08-03.

Conditions:
PLXND1-related disorder. Also called: PLXND1-related condition.

Allele frequency attached by ClinVar (database versions not stated): gnomAD exomes 0.00023 and 0.00056; ExAC 0.00062; ESP Exome Variant Server 0.00100; gnomAD 0.00220 and 0.00232; TOPMed 0.00243; 1000 Genomes Project 0.00300; 1000 Genomes Project 30x 0.00312.
gnomAD v4.1: 675 of 1,612,984 alleles (0.042%); highest among the groups gnomAD compares: African/African-American, 0.78%; 4 homozygotes.

Submissions (4):

Ambry Genetics
Classification: Uncertain significance. Last evaluated: 2025-08-03. Review status: criteria provided, single submitter. Criteria: Ambry Variant Classification Scheme 2023. Collection method: clinical testing. Allele origin: germline.

Blueprint Genetics
Classification: Likely benign. Last evaluated: 2024-07-06. Review status: criteria provided, single submitter. Criteria: ACMG Guidelines, 2015. Collection method: clinical testing. Allele origin: germline.

Labcorp Genetics (formerly Invitae), Labcorp
Classification: Likely benign. Last evaluated: 2019-12-31. Review status: criteria provided, single submitter. Criteria: Invitae Variant Classification Sherloc (09022015). Collection method: clinical testing. Allele origin: germline.

PreventionGenetics, part of Exact Sciences
Classification: Benign for PLXND1-related condition. Last evaluated: 2019-08-29. Review status: no assertion criteria provided. Collection method: clinical testing. Allele origin: germline. Not counted in ClinVar's aggregate classification.
Comment: This variant is classified as benign based on ACMG/AMP sequence variant interpretation guidelines (Richards et al. 2015 PMID: 25741868, with internal and published modifications).